The following is an entry in ClinVar:

NM_201384.3(PLEC):c.10316C>T (p.Pro3439Leu)

Gene: PLEC (plectin; minus strand). Cytogenetic location: 8q24.3.
Variant type: single nucleotide variant.
Coding change: c.10316C>T on transcript NM_201384.3 (MANE Select); coding-DNA position 10316, C replaced by T.
Protein change: p.Pro3439Leu; replaces proline 3439 with leucine.
Molecular consequence: missense variant.
Genome position (GRCh38, 1-based): chr8:143,919,505, G>A on the plus strand (C>T on the coding strand, the complement: PLEC is on the minus strand). VCF-style: chr8-143919505-G-A. GRCh37 (hg19) VCF-style: chr8-144993673-G-A.
Other names: c.10397C>T (NM_000445.3); c.10397C>T, p.Pro3466Leu (NM_000445.5); c.7016C>T, p.Pro2339Leu (NM_001410941.1); c.10274C>T, p.Pro3425Leu (NM_201378.4); c.10250C>T, p.Pro3417Leu (NM_201379.3); c.10727C>T, p.Pro3576Leu (NM_201380.4); c.10220C>T, p.Pro3407Leu (NM_201381.3); c.10316C>T, p.Pro3439Leu (NM_201382.4); and 1 more; short protein forms P2339L, P3407L, P3417L, P3425L, P3439L, P3443L, P3466L, P3576L.
Identifiers: ClinVar variation 2658941 (VCV002658941.25), dbSNP rs2537252387, ClinGen allele CA372500292.

ClinVar aggregate classification (germline): Uncertain significance. Review status: criteria provided, multiple submitters, no conflicts (2 of 4 stars). 3 submissions from 3 submitters: Uncertain significance (3). Last evaluated 2025-10-29.

Conditions:
Inborn genetic diseases. Identifiers: MedGen C0950123, MeSH D030342.

Submissions (3):

Ambry Genetics
Classification: Uncertain significance for Inborn genetic diseases. Last evaluated: 2025-10-29. Review status: criteria provided, single submitter. Criteria: Ambry Variant Classification Scheme 2023. Collection method: clinical testing. Allele origin: germline.

Revvity Omics, Revvity
Classification: Uncertain significance. Last evaluated: 2025-01-06. Review status: criteria provided, single submitter. Criteria: ACMG Guidelines, 2015. Collection method: clinical testing. Allele origin: germline.

CeGaT Center for Human Genetics Tuebingen
Classification: Uncertain significance. Last evaluated: 2023-10-01. Review status: criteria provided, single submitter. Criteria: CeGaT Center For Human Genetics Tuebingen Variant Classification Criteria Version 2. Collection method: clinical testing. Allele origin: germline. Affected: yes. Observed: 1 variant allele.
Comment: PLEC: PM2